The following is an entry in ClinVar:

NM_001009944.3(PKD1):c.4049C>T (p.Thr1350Met)

Gene: PKD1 (polycystin 1, transient receptor potential channel interacting; minus strand). Cytogenetic location: 16p13.3.
Variant type: single nucleotide variant.
Coding change: c.4049C>T on transcript NM_001009944.3 (MANE Select); coding-DNA position 4049, C replaced by T.
Protein change: p.Thr1350Met; replaces threonine 1350 with methionine.
Molecular consequence: missense variant.
Genome position (GRCh38, 1-based): chr16:2,111,118, G>A on the plus strand (C>T on the coding strand, the complement: PKD1 is on the minus strand). VCF-style: chr16-2111118-G-A. GRCh37 (hg19) VCF-style: chr16-2161119-G-A.
Other names: c.4049C>T, p.Thr1350Met (NM_000296.4); short protein forms T1350M.
Identifiers: ClinVar variation 3068567 (VCV003068567.4), dbSNP rs777460980, ClinGen allele CA7832513.

ClinVar aggregate classification (germline): Uncertain significance. Review status: criteria provided, multiple submitters, no conflicts (2 of 4 stars). 3 submissions from 3 submitters: Uncertain significance (3). Last evaluated 2023-03-30.

Conditions:
Autosomal dominant polycystic kidney disease. Identifiers: Orphanet 730, MedGen C0085413, MONDO:0004691.
Polycystic kidney disease, adult type (PKD1). Also called: POLYCYSTIC KIDNEY DISEASE, ADULT, TYPE I; Polycystic Kidney Disease 1, Autosomal Dominant; Polycystic kidney disease 1; Polycystic kidney disease 1, severe; Polycystic Kidney, Autosomal Dominant; POLYCYSTIC KIDNEY DISEASE 1 WITH OR WITHOUT POLYCYSTIC LIVER DISEASE. Identifiers: MedGen C3149841, MONDO:0008263, OMIM 173900.

Allele frequency attached by ClinVar (database versions not stated): TOPMed 0.00002; gnomAD 0.00003.
gnomAD v4.1: 48 of 1,610,864 alleles (0.003%); highest among the groups gnomAD compares: East Asian, 0.022%; no homozygotes.

Submissions (3):

Molecular Genetics, Royal Melbourne Hospital
Classification: Uncertain significance for Autosomal dominant polycystic kidney disease. Last evaluated: 2023-03-30. Review status: criteria provided, single submitter. Criteria: ACMG Guidelines, 2015. Collection method: clinical testing. Allele origin: germline. Affected: yes.
Comment: This sequence change in PKD1 is predicted to replace threonine with methionine at codon 1350, p.(Thr1350Met). The threonine residue is moderately conserved (100 vertebrates, UCSC), and is located in the PKD 8 domain. There is a moderate physicochemical difference between threonine and methionine. The highest population minor allele frequency in the population database gnomAD v2.1 is 0.025% (5/19,576 alleles) in the East Asian population. This variant has been reported in at least two probands with polycystic kidney disease (PMID: 26453610, 28522688, 30369598). Multiple lines of computational evidence have conflicting predictions for the missense substitution (4/6 algorithms predict benign). Based on the classification scheme RMH Modified ACMG Guidelines v1.5.1, this variant is classified as a VARIANT OF UNCERTAIN SIGNIFICANCE. Following criteria are met: none.

Blueprint Genetics
Classification: Uncertain significance. Last evaluated: 2021-08-26. Review status: criteria provided, single submitter. Criteria: ACMG Guidelines, 2015. Collection method: clinical testing. Allele origin: germline.

Juno Genomics, Hangzhou Juno Genomics, Inc
Classification: Uncertain significance for Polycystic kidney disease, adult type. Review status: criteria provided, single submitter. Criteria: ACMG Guidelines, 2015. Collection method: clinical testing. Allele origin: germline. Affected: yes.
Comment: The prevalence of the variant in affected individuals is significantly increased compared to the prevalence in controls.;Absent from controls (or at extremely low frequency if recessive) in Genome Aggregation Database, Exome Sequencing Project, 1000 Genomes Project, or Exome Aggregation Consortium.;Co-segregation with disease in multiple affected family members in a gene definitively known to cause the disease.

Literature cited by the submitters: PubMed 26453610 (cited by Molecular Genetics, Royal Melbourne Hospital); PubMed 28522688 (cited by Molecular Genetics, Royal Melbourne Hospital); PubMed 30369598 (cited by Molecular Genetics, Royal Melbourne Hospital).